The following is an entry in ClinVar:

ClinVar aggregate classification (germline): Likely pathogenic (1 of 4 stars; one submission).

Conditions:
Intellectual developmental disorder, X-linked, syndromic, Billuart type. Also called: MENTAL RETARDATION, X-LINKED 60; X-linked intellectual disability-cerebellar hypoplasia syndrome. Identifiers: Orphanet 137831, MedGen C1845366, MONDO:0010337, OMIM 300486.

Submission:

Laboratorio de Genetica e Diagnostico Molecular, Hospital Israelita Albert Einstein
Classification: Likely pathogenic for Intellectual developmental disorder, X-linked, syndromic, Billuart type. Last evaluated: 2026-02-27. Review status: criteria provided, single submitter. Criteria: ACMG Guidelines, 2015. Collection method: clinical testing. Allele origin: germline. Affected: yes.
Comment: ACMG classification criteria: PVS1 very strong, PM2 supporting

NM_002547.3(OPHN1):c.1135G>T (p.Glu379Ter)

Gene: OPHN1 (oligophrenin 1; minus strand). Cytogenetic location: Xq12.
Variant type: single nucleotide variant.
Coding change: c.1135G>T on transcript NM_002547.3 (MANE Select); coding-DNA position 1135, G replaced by T.
Protein change: p.Glu379Ter; replaces glutamic acid 379 with a stop codon.
Molecular consequence: nonsense.
Genome position (GRCh38, 1-based): chrX:68,194,468, C>A on the plus strand (G>T on the coding strand, the complement: OPHN1 is on the minus strand). VCF-style: chrX-68194468-C-A. GRCh37 (hg19) VCF-style: chrX-67414310-C-A.
Other names: c.1135G>T, p.Glu379Ter (NM_001437258.1); short protein forms E379*.
Identifiers: ClinVar variation 4846881 (VCV004846881.1).